The following is an entry in ClinVar:

NM_014795.4(ZEB2):c.933G>T (p.Glu311Asp)

Gene: ZEB2 (zinc finger E-box binding homeobox 2; minus strand). Cytogenetic location: 2q22.3.
Variant type: single nucleotide variant.
Coding change: c.933G>T on transcript NM_014795.4 (MANE Select); coding-DNA position 933, G replaced by T.
Protein change: p.Glu311Asp; replaces glutamic acid 311 with aspartic acid.
Molecular consequence: missense variant.
Genome position (GRCh38, 1-based): chr2:144,400,254, C>A on the plus strand (G>T on the coding strand, the complement: ZEB2 is on the minus strand). VCF-style: chr2-144400254-C-A. GRCh37 (hg19) VCF-style: chr2-145157821-C-A.
Other names: c.861G>T, p.Glu287Asp (NM_001171653.2); short protein forms E287D, E311D.
Identifiers: ClinVar variation 660079 (VCV000660079.8), dbSNP rs1573717761, ClinGen allele CA348713393.

ClinVar aggregate classification (germline): Uncertain significance (1 of 4 stars; one submission).

Conditions:
Mowat-Wilson syndrome (MOWS). Also called: Classic Mowat-Wilson Syndrome. Identifiers: Orphanet 2152, MedGen C1856113, MONDO:0009341, OMIM 235730.

Submission:

Labcorp Genetics (formerly Invitae), Labcorp
Classification: Uncertain significance for Mowat-Wilson syndrome. Last evaluated: 2025-10-20. Review status: criteria provided, single submitter. Criteria: Invitae Variant Classification Sherloc (09022015). Collection method: clinical testing. Allele origin: germline.
Comment: This sequence change replaces glutamic acid, which is acidic and polar, with aspartic acid, which is acidic and polar, at codon 311 of the ZEB2 protein (p.Glu311Asp). This variant is not present in population databases (gnomAD no frequency). This variant has not been reported in the literature in individuals affected with ZEB2-related conditions. ClinVar contains an entry for this variant (Variation ID: 660079). Invitae Evidence Modeling incorporating data from in vitro experimental studies (internal data) indicates that this missense variant is not expected to disrupt ZEB2 function with a negative predictive value of 95%. In summary, the available evidence is currently insufficient to determine the role of this variant in disease. Therefore, it has been classified as a Variant of Uncertain Significance.